The following is an entry in ClinVar:

NM_000501.4(ELN):c.1298C>T (p.Pro433Leu)

Gene: ELN (elastin; plus strand). Cytogenetic location: 7q11.23.
Variant type: single nucleotide variant.
Coding change: c.1298C>T on transcript NM_000501.4 (MANE Select); coding-DNA position 1298, C replaced by T.
Protein change: p.Pro433Leu; replaces proline 433 with leucine.
Molecular consequence: missense variant. On other transcripts: intron variant (2).
Genome position (GRCh38, 1-based): chr7:74,056,418, C>T. VCF-style: chr7-74056418-C-T. GRCh37 (hg19) VCF-style: chr7-73470748-C-T.
Other names: c.1268C>T, p.Pro423Leu (NM_001081752.3, NM_001278917.2); c.1313C>T, p.Pro438Leu (NM_001081753.3, NM_001081754.3); c.1298C>T, p.Pro433Leu (NM_001081755.3, NM_001278912.2, NM_001278915.2 and 1 more transcripts); c.1283C>T, p.Pro428Leu (NM_001278914.2); c.1256C>T, p.Pro419Leu (NM_001278916.2); c.1129+61C>T (NM_001278913.2); c.1105+61C>T (NM_001278918.2); c.1298C>T (NM_000501.2); short protein forms P423L, P438L, P419L, P428L, P433L.
Identifiers: ClinVar variation 2752619 (VCV002752619.5), dbSNP rs782575011, ClinGen allele CA4292919.

ClinVar aggregate classification (germline): Uncertain significance. Review status: criteria provided, multiple submitters, no conflicts (2 of 4 stars). 3 submissions from 3 submitters: Uncertain significance (3). Last evaluated 2025-07-18.

Conditions:
Supravalvar aortic stenosis (SVAS). Also called: Supravalvar aortic stenosis, Eisenberg type. Identifiers: Orphanet 3193, MedGen C0003499, MONDO:0008504, OMIM 185500, HP:0004381.
Inborn genetic diseases. Identifiers: MedGen C0950123, MeSH D030342.

Allele frequency attached by ClinVar (database versions not stated): ExAC 0.00002; gnomAD exomes 0.00002; gnomAD 0.00003; TOPMed 0.00003.
gnomAD v4.1: 30 of 1,613,550 alleles (0.0019%); highest among the groups gnomAD compares: Middle Eastern, 0.016%; no homozygotes.

Submissions (3):

Ambry Genetics
Classification: Uncertain significance for Inborn genetic diseases. Last evaluated: 2025-07-18. Review status: criteria provided, single submitter. Criteria: Ambry Variant Classification Scheme 2023. Collection method: clinical testing. Allele origin: germline.

Labcorp Genetics (formerly Invitae), Labcorp
Classification: Uncertain significance for Supravalvar aortic stenosis. Last evaluated: 2025-05-07. Review status: criteria provided, single submitter. Criteria: Invitae Variant Classification Sherloc (09022015). Collection method: clinical testing. Allele origin: germline.
Comment: This sequence change replaces proline, which is neutral and non-polar, with leucine, which is neutral and non-polar, at codon 433 of the ELN protein (p.Pro433Leu). This variant is present in population databases (rs782575011, gnomAD 0.05%). This variant has not been reported in the literature in individuals affected with ELN-related conditions. ClinVar contains an entry for this variant (Variation ID: 2752619). Invitae Evidence Modeling of protein sequence and biophysical properties (such as structural, functional, and spatial information, amino acid conservation, physicochemical variation, residue mobility, and thermodynamic stability) indicates that this missense variant is not expected to disrupt ELN protein function with a negative predictive value of 80%. In summary, the available evidence is currently insufficient to determine the role of this variant in disease. Therefore, it has been classified as a Variant of Uncertain Significance.

GeneDx
Classification: Uncertain significance. Last evaluated: 2024-07-17. Review status: criteria provided, single submitter. Criteria: GeneDx Variant Classification Process June 2021. Collection method: clinical testing. Allele origin: germline. Affected: yes.
Comment: Not observed at significant frequency in large population cohorts (gnomAD); In silico analysis supports that this missense variant has a deleterious effect on protein structure/function; Has not been previously published as pathogenic or benign to our knowledge